The following is an entry in ClinVar:

ClinVar aggregate classification (germline): Uncertain significance (1 of 4 stars; one submission).

Conditions:
Charcot-Marie-Tooth disease axonal type 2O. Also called: Charcot-Marie-Tooth disease, axonal, type 20; CHARCOT-MARIE-TOOTH NEUROPATHY, AXONAL, TYPE 2O; CHARCOT-MARIE-TOOTH DISEASE, AXONAL, AUTOSOMAL DOMINANT, TYPE 2O; Charcot-Marie-Tooth Neuropathy Type 2O. Identifiers: Orphanet 284232, MedGen C3280220, MONDO:0013644, OMIM 614228.

gnomAD v4.1: 1 of 1,614,230 alleles (0.000062%); highest among the groups gnomAD compares: Non-Finnish European, 0.000085%; no homozygotes.

Submission:

Labcorp Genetics (formerly Invitae), Labcorp
Classification: Uncertain significance for Charcot-Marie-Tooth disease axonal type 2O. Last evaluated: 2024-10-27. Review status: criteria provided, single submitter. Criteria: Invitae Variant Classification Sherloc (09022015). Collection method: clinical testing. Allele origin: germline.
Comment: This sequence change replaces lysine, which is basic and polar, with arginine, which is basic and polar, at codon 1052 of the DYNC1H1 protein (p.Lys1052Arg). This variant is present in population databases (rs759858460, gnomAD 0.0009%). This variant has not been reported in the literature in individuals affected with DYNC1H1-related conditions. An algorithm developed to predict the effect of missense changes on protein structure and function (PolyPhen-2) suggests that this variant is likely to be tolerated. In summary, the available evidence is currently insufficient to determine the role of this variant in disease. Therefore, it has been classified as a Variant of Uncertain Significance.

NM_001376.5(DYNC1H1):c.3155A>G (p.Lys1052Arg)

Gene: DYNC1H1 (dynein cytoplasmic 1 heavy chain 1; plus strand). Cytogenetic location: 14q32.31.
Variant type: single nucleotide variant.
Coding change: c.3155A>G on transcript NM_001376.5 (MANE Select); coding-DNA position 3155, A replaced by G.
Protein change: p.Lys1052Arg; replaces lysine 1052 with arginine.
Molecular consequence: missense variant.
Genome position (GRCh38, 1-based): chr14:101,994,323, A>G. VCF-style: chr14-101994323-A-G. GRCh37 (hg19) VCF-style: chr14-102460660-A-G.
Other names: short protein forms K1052R.
Identifiers: ClinVar variation 3669930 (VCV003669930.2).